The following is an entry in ClinVar:

ClinVar aggregate classification (germline): Uncertain significance (1 of 4 stars; one submission).

Submission:

GeneDx
Classification: Uncertain significance. Last evaluated: 2023-12-12. Review status: criteria provided, single submitter. Criteria: GeneDx Variant Classification Process June 2021. Collection method: clinical testing. Allele origin: germline. Affected: yes.
Comment: Not observed at significant frequency in large population cohorts (gnomAD); In silico analysis supports that this missense variant has a deleterious effect on protein structure/function; Has not been previously published as pathogenic or benign to our knowledge

NM_016529.6(ATP8A2):c.2470A>C (p.Asn824His)

Gene: ATP8A2 (ATPase phospholipid transporting 8A2). Cytogenetic location: 13q12.13.
Variant type: single nucleotide variant.
Coding change: c.2470A>C on transcript NM_016529.6 (MANE Select); coding-DNA position 2470, A replaced by C.
Protein change: p.Asn824His; replaces asparagine 824 with histidine.
Molecular consequence: missense variant.
Genome position (GRCh38, 1-based): chr13:25,769,131, A>C. VCF-style: chr13-25769131-A-C. GRCh37 (hg19) VCF-style: chr13-26343269-A-C.
Other names: c.2350A>C, p.Asn784His (NM_001313741.1); c.2470A>C, p.Asn824His (NM_001411005.1, NM_001411006.1); short protein forms N784H, N824H.
Identifiers: ClinVar variation 3365662 (VCV003365662.1).
Genomic context (GRCh38, chr13:25,769,131, plus strand): 5'-ATAGTGGATGTGGTGAAGAAGCGGGTGAAGGCCATCACCCTCGCCATCGGAGACGGCGCC[A>C]ACGATGTCGGGATGATCCAGACAGCCCACGTGGGTGTGGGAATCAGTGGGAATGAAGGCA-3'
Protein context (NP_057613.4, residues 814-834): AITLAIGDGA[Asn824His]DVGMIQTAHV